The following is an entry in ClinVar:

NM_000020.3(ACVRL1):c.1136A>C (p.Glu379Ala)

Gene: ACVRL1 (activin A receptor like type 1; plus strand). Cytogenetic location: 12q13.13.
Variant type: single nucleotide variant.
Coding change: c.1136A>C on transcript NM_000020.3 (MANE Select); coding-DNA position 1136, A replaced by C.
Protein change: p.Glu379Ala; replaces glutamic acid 379 with alanine.
Molecular consequence: missense variant.
Genome position (GRCh38, 1-based): chr12:51,916,123, A>C. VCF-style: chr12-51916123-A-C. GRCh37 (hg19) VCF-style: chr12-52309907-A-C.
Other names: c.1136A>C, p.Glu379Ala (NM_001077401.2, NM_001406487.1, NM_001406488.1 and 1 more transcripts); c.824A>C, p.Glu275Ala (NM_001406490.1, NM_001406491.1, NM_001406492.1 and 1 more transcripts); c.572A>C, p.Glu191Ala (NM_001406495.1); short protein forms E275A, E379A, E191A.
Identifiers: ClinVar variation 1729692 (VCV001729692.2), dbSNP rs2540166517, ClinGen allele CA384902510.

ClinVar aggregate classification (germline): Likely pathogenic (1 of 4 stars; one submission).

Conditions:
Cardiovascular phenotype. Identifiers: MedGen CN230736.

Submission:

Ambry Genetics
Classification: Likely pathogenic for Cardiovascular phenotype. Last evaluated: 2022-04-22. Review status: criteria provided, single submitter. Criteria: Ambry Variant Classification Scheme 2023. Collection method: clinical testing. Allele origin: germline.
Comment: The p.E379A variant (also known as c.1136A>C), located in coding exon 7 of the ACVRL1 gene, results from an A to C substitution at nucleotide position 1136. The glutamic acid at codon 379 is replaced by alanine, an amino acid with dissimilar properties. Based on internal structure analysis, this alteration has been shown to be destabilizing (Ambry internal data). Another alteration at the same codon, p.E379K (c.1135G>A), has been described in multiple individuals with hereditary hemorrhagic telangiectasia (HHT), including segregating with disease in one family, and functional studies showed that the resulting protein is predominantly immature and not localized to the cell surface (Lesca G et al. Hum. Mutat., 2004 Apr;23:289-99; Lenato GM et al. Hum. Mutat., 2006 Feb;27:213-4; Zhao Y et al. Mol Genet Genomic Med, 2019 09;7:e893; Alaa El Din F et al. PLoS ONE, 2015 Jul;10:e0132111). This amino acid position is highly conserved in available vertebrate species. In addition, this alteration is predicted to be deleterious by in silico analysis. Based on the majority of available evidence to date, this variant is likely to be pathogenic.